The following is an entry in ClinVar:

NM_000601.6(HGF):c.1072G>A (p.Asp358Asn)

Gene: HGF (hepatocyte growth factor; minus strand). Cytogenetic location: 7q21.11.
Variant type: single nucleotide variant.
Coding change: c.1072G>A on transcript NM_000601.6 (MANE Select); coding-DNA position 1072, G replaced by A.
Protein change: p.Asp358Asn; replaces aspartic acid 358 with asparagine.
Molecular consequence: missense variant.
Genome position (GRCh38, 1-based): chr7:81,725,986, C>T on the plus strand (G>A on the coding strand, the complement: HGF is on the minus strand). VCF-style: chr7-81725986-C-T. GRCh37 (hg19) VCF-style: chr7-81355302-C-T.
Other names: c.1057G>A, p.Asp353Asn (NM_001010932.3); short protein forms D353N, D358N.
Identifiers: ClinVar variation 3364838 (VCV003364838.1).

ClinVar aggregate classification (germline): Uncertain significance (1 of 4 stars; one submission).

Submission:

GeneDx
Classification: Uncertain significance. Last evaluated: 2023-12-05. Review status: criteria provided, single submitter. Criteria: GeneDx Variant Classification Process June 2021. Collection method: clinical testing. Allele origin: germline. Affected: yes.
Comment: Not observed at significant frequency in large population cohorts (gnomAD); In silico analysis supports that this missense variant has a deleterious effect on protein structure/function; Has not been previously published as pathogenic or benign to our knowledge